The following is an entry in ClinVar:

ClinVar aggregate classification (germline): Likely pathogenic (1 of 4 stars; one submission).

Conditions:
Hypertrophic cardiomyopathy 1 (CMH1). Also called: MYH7-Related Familial Hypertrophic Cardiomyopathy; Familial hypertrophic cardiomyopathy 1. Identifiers: MedGen C3495498, MONDO:0008647, OMIM 192600.

Submission:

3billion
Classification: Likely pathogenic for Hypertrophic cardiomyopathy 1. Last evaluated: 2022-01-03. Review status: criteria provided, single submitter. Criteria: ACMG Guidelines, 2015. Collection method: clinical testing. Allele origin: germline. Affected: yes. Observed: 1 heterozygote.
Comment: The variant is located in a well-established functional domain or exonic hotspot, where pathogenic variants have frequently reported (PM1_M). A different missense change at the same codon has been reported to be associated with MYH7 related disorder (ClinVar ID: VCV000042848, PMID:15358028,15563892, PM5_P). In silico tool predictions suggest damaging effect of the variant on gene or gene product (REVEL: 0.793, 3CNET: 0.918, PP3_P). It is not observed in the gnomAD v2.1.1 dataset (PM2_M). Therefore, this variant is classified as likely pathogenic according to the recommendation of ACMG/AMP guideline.

Literature cited by the submitters: PubMed 15358028.

NM_000257.4(MYH7):c.1531A>C (p.Ile511Leu)

Gene: MYH7 (myosin heavy chain 7; minus strand). Cytogenetic location: 14q11.2.
Variant type: single nucleotide variant.
Coding change: c.1531A>C on transcript NM_000257.4 (MANE Select); coding-DNA position 1531, A replaced by C.
Protein change: p.Ile511Leu; replaces isoleucine 511 with leucine.
Molecular consequence: missense variant.
Genome position (GRCh38, 1-based): chr14:23,428,547, T>G on the plus strand (A>C on the coding strand, the complement: MYH7 is on the minus strand). VCF-style: chr14-23428547-T-G. GRCh37 (hg19) VCF-style: chr14-23897756-T-G.
Other names: short protein forms I511L.
Identifiers: ClinVar variation 1333641 (VCV001333641.1), dbSNP rs1333791654, ClinGen allele CA389050387.
Genomic context (GRCh38, chr14:23,428,547, plus strand): 5'-GCCAAAGAGGCACCTTCTCGATGAGGTCAATGCAGGCCTGCAGGTCCATGCCAAAGTCAA[T>G]GAATGTCCACTCGATGCCCTCCTTCTTGTACTCCTCCTGCTCCAGCACAAACATGTGGTG-3'
Protein context (NP_000248.2, residues 501-521): YKKEGIEWTF[Ile511Leu]DFGMDLQACI